The following is an entry in ClinVar:

ClinVar aggregate classification (germline): Uncertain significance. Review status: criteria provided, multiple submitters, no conflicts (2 of 4 stars). 2 submissions from 2 submitters: Uncertain significance (2). Last evaluated 2024-08-13.

Conditions:
RYR1-related disorder. Also called: RYR1-related condition; RYR1-related disorders. Identifiers: MedGen CN239331.
Malignant hyperthermia, susceptibility to, 1 (MHS1). Also called: Malignant hyperthermia suceptibility 1; Anesthesia related hyperthermia; Malignant hyperpyrexia; Fulminating hyperpyrexia; Pharmacogenic myopathy; RYR1-Related Malignant Hyperthermia Susceptibility. Identifiers: Orphanet 423, MedGen C2930980, MONDO:0007783, OMIM 145600.

Submissions (2):

All of Us Research Program, National Institutes of Health
Classification: Uncertain significance for Malignant hyperthermia, susceptibility to, 1. Last evaluated: 2024-08-13. Review status: criteria provided, single submitter. Criteria: ACMG Guidelines, 2015. Collection method: clinical testing. Allele origin: germline. Inheritance: Autosomal dominant inheritance. Observed: 1 variant allele, 1 heterozygote.
Comment: This missense variant replaces leucine with methionine at codon 1108 of the RYR1 protein. Computational prediction suggests that this variant may not impact protein structure and function. To our knowledge, functional studies have not been reported for this variant. This variant has not been reported in individuals affected with RYR1-related disorders in the literature. This variant has not been identified in the general population by the Genome Aggregation Database (gnomAD). The available evidence is insufficient to determine the role of this variant in disease conclusively. Therefore, this variant is classified as a Variant of Uncertain Significance.

This study involves interpretation of variants in research participants for the purpose of population health screening. Participant phenotype was not available at the time of variant classification. Additional details can be found in publication PMID: 35346344, PMCID: PMC8962531

Labcorp Genetics (formerly Invitae), Labcorp
Classification: Uncertain significance for RYR1-related disorder. Last evaluated: 2024-01-30. Review status: criteria provided, single submitter. Criteria: Invitae Variant Classification Sherloc (09022015). Collection method: clinical testing. Allele origin: germline.
Comment: This sequence change replaces leucine, which is neutral and non-polar, with methionine, which is neutral and non-polar, at codon 1108 of the RYR1 protein (p.Leu1108Met). This variant is not present in population databases (gnomAD no frequency). This variant has not been reported in the literature in individuals affected with RYR1-related conditions. Advanced modeling of protein sequence and biophysical properties (such as structural, functional, and spatial information, amino acid conservation, physicochemical variation, residue mobility, and thermodynamic stability) performed at Invitae indicates that this missense variant is not expected to disrupt RYR1 protein function with a negative predictive value of 95%. In summary, the available evidence is currently insufficient to determine the role of this variant in disease. Therefore, it has been classified as a Variant of Uncertain Significance.

NM_000540.3(RYR1):c.3322C>A (p.Leu1108Met)

Gene: RYR1 (ryanodine receptor 1; plus strand). Cytogenetic location: 19q13.2.
Variant type: single nucleotide variant.
Coding change: c.3322C>A on transcript NM_000540.3 (MANE Select); coding-DNA position 3322, C replaced by A.
Protein change: p.Leu1108Met; replaces leucine 1108 with methionine.
Molecular consequence: missense variant.
Genome position (GRCh38, 1-based): chr19:38,467,753, C>A. VCF-style: chr19-38467753-C-A. GRCh37 (hg19) VCF-style: chr19-38958393-C-A.
Other names: c.3322C>A, p.Leu1108Met (NM_001042723.2); short protein forms L1108M.
Identifiers: ClinVar variation 2775739 (VCV002775739.4), dbSNP rs2514102527, ClinGen allele CA405637348.
Genomic context (GRCh38, chr19:38,467,753, plus strand): 5'-TACTTCGAGTTTGAAGCAGTCACCACAGGCGAGATGCGCGTGGGCTGGGCGAGGCCCGAG[C>A]TGAGGCCTGATGTAGAGCTGGGAGCTGACGAGCTGGCCTATGTCTTCAATGGGCACCGCG-3'
Protein context (NP_000531.2, residues 1098-1118): EMRVGWARPE[Leu1108Met]RPDVELGADE